The following is an entry in ClinVar:

ClinVar aggregate classification (germline): Conflicting classifications of pathogenicity. Review status: criteria provided, conflicting classifications (1 of 4 stars). 3 submissions from 3 submitters: Uncertain significance (2); Likely benign (1). Last evaluated 2025-11-05.

Conditions:
Inborn genetic diseases. Identifiers: MedGen C0950123, MeSH D030342.
Congenital myopathy with internal nuclei and atypical cores. Also called: Myopathy, centronuclear, 4. Identifiers: Orphanet 319160, MedGen C4707232, MONDO:0013890, OMIM 614807.

Allele frequency attached by ClinVar (database versions not stated): ExAC 0.00002; gnomAD 0.00002; gnomAD exomes 0.00002 and 0.00015; TOPMed 0.00003.

Submissions (3):

Labcorp Genetics (formerly Invitae), Labcorp
Classification: Uncertain significance for Congenital myopathy with internal nuclei and atypical cores. Last evaluated: 2025-11-05. Review status: criteria provided, single submitter. Criteria: Invitae Variant Classification Sherloc (09022015). Collection method: clinical testing. Allele origin: germline.
Comment: This sequence change replaces proline, which is neutral and non-polar, with leucine, which is neutral and non-polar, at codon 122 of the CCDC78 protein (p.Pro122Leu). This variant is present in population databases (rs745392382, gnomAD 0.006%). This variant has not been reported in the literature in individuals affected with CCDC78-related conditions. ClinVar contains an entry for this variant (Variation ID: 473257). Invitae Evidence Modeling of protein sequence and biophysical properties (such as structural, functional, and spatial information, amino acid conservation, physicochemical variation, residue mobility, and thermodynamic stability) indicates that this missense variant is not expected to disrupt CCDC78 protein function with a negative predictive value of 80%. In summary, the available evidence is currently insufficient to determine the role of this variant in disease. Therefore, it has been classified as a Variant of Uncertain Significance.

Ambry Genetics
Classification: Uncertain significance for Inborn genetic diseases. Last evaluated: 2024-05-31. Review status: criteria provided, single submitter. Criteria: Ambry Variant Classification Scheme 2023. Collection method: clinical testing. Allele origin: germline.

GeneDx
Classification: Likely benign. Last evaluated: 2021-02-24. Review status: criteria provided, single submitter. Criteria: GeneDx Variant Classification Process June 2021. Collection method: clinical testing. Allele origin: germline. Affected: yes.

NM_001378030.1(CCDC78):c.365C>T (p.Pro122Leu)

Gene: CCDC78 (coiled-coil domain containing 78; minus strand). Cytogenetic location: 16p13.3.
Variant type: single nucleotide variant.
Coding change: c.365C>T on transcript NM_001378030.1 (MANE Select); coding-DNA position 365, C replaced by T.
Protein change: p.Pro122Leu; replaces proline 122 with leucine.
Molecular consequence: missense variant. On other transcripts: non-coding transcript variant (5), intron variant (1).
Genome position (GRCh38, 1-based): chr16:725,483, G>A on the plus strand (C>T on the coding strand, the complement: CCDC78 is on the minus strand). VCF-style: chr16-725483-G-A. GRCh37 (hg19) VCF-style: chr16-775483-G-A.
Other names: c.365C>T, p.Pro122Leu (NM_001031737.3, NM_001378031.1); c.-18-190C>T (NM_001378033.1); short protein forms P122L.
Identifiers: ClinVar variation 473257 (VCV000473257.13), dbSNP rs745392382, ClinGen allele CA7789638.